The following is an entry in ClinVar:

NM_025144.4(ALPK1):c.1646T>G (p.Leu549Trp)

Gene: ALPK1 (alpha kinase 1; plus strand). Cytogenetic location: 4q25.
Variant type: single nucleotide variant.
Coding change: c.1646T>G on transcript NM_025144.4 (MANE Select); coding-DNA position 1646, T replaced by G.
Protein change: p.Leu549Trp; replaces leucine 549 with tryptophan.
Molecular consequence: missense variant.
Genome position (GRCh38, 1-based): chr4:112,431,193, T>G. VCF-style: chr4-112431193-T-G. GRCh37 (hg19) VCF-style: chr4-113352349-T-G.
Other names: c.1646T>G, p.Leu549Trp (NM_001102406.2); c.1412T>G, p.Leu471Trp (NM_001253884.2); short protein forms L549W, L471W.
Identifiers: ClinVar variation 2848906 (VCV002848906.3), dbSNP rs2476503904, ClinGen allele CA357895801.
Genomic context (GRCh38, chr4:112,431,193, plus strand): 5'-GGGAACTCAGAAGGGGAGGAAGGAGAAACTGGACCCATTCTGATGCATTTCGAGTCTCCT[T>G]GGATCAAGATGTGGAGACTGAGACTGAGCCATCGGACTACAGCAATGGTGAGGGAGCTGT-3'
Protein context (NP_079420.3, residues 539-559): WTHSDAFRVS[Leu549Trp]DQDVETETEP

ClinVar aggregate classification (germline): Uncertain significance (1 of 4 stars; one submission).

Submission:

Labcorp Genetics (formerly Invitae), Labcorp
Classification: Uncertain significance. Last evaluated: 2023-03-23. Review status: criteria provided, single submitter. Criteria: Invitae Variant Classification Sherloc (09022015). Collection method: clinical testing. Allele origin: germline.
Comment: This sequence change replaces leucine, which is neutral and non-polar, with tryptophan, which is neutral and slightly polar, at codon 549 of the ALPK1 protein (p.Leu549Trp). This variant is not present in population databases (gnomAD no frequency). This variant has not been reported in the literature in individuals affected with ALPK1-related conditions. Advanced modeling of protein sequence and biophysical properties (such as structural, functional, and spatial information, amino acid conservation, physicochemical variation, residue mobility, and thermodynamic stability) performed at Invitae indicates that this missense variant is not expected to disrupt ALPK1 protein function. In summary, the available evidence is currently insufficient to determine the role of this variant in disease. Therefore, it has been classified as a Variant of Uncertain Significance.